The following is an entry in ClinVar:

ClinVar aggregate classification (germline): Likely benign. Review status: criteria provided, multiple submitters, no conflicts (2 of 4 stars). 3 submissions from 3 submitters: Likely benign (3). Last evaluated 2024-04-22.

Conditions:
Familial sleep-related hypermotor epilepsy. Also called: Autosomal Dominant Sleep-Related Hypermotor (Hyperkinetic) Epilepsy. Identifiers: Orphanet 98784, MedGen C3696898, MONDO:0000030.

Allele frequency attached by ClinVar (database versions not stated): ExAC 0.00001; gnomAD 0.00001; TOPMed 0.00001; gnomAD exomes 0.00002.
gnomAD v4.1: 26 of 1,613,674 alleles (0.0016%); highest among the groups gnomAD compares: Middle Eastern, 0.049%; no homozygotes.

Submissions (3):

Labcorp Genetics (formerly Invitae), Labcorp
Classification: Likely benign. Last evaluated: 2024-04-22. Review status: criteria provided, single submitter. Criteria: Invitae Variant Classification Sherloc (09022015). Collection method: clinical testing. Allele origin: germline.

Blueprint Genetics
Classification: Likely benign. Last evaluated: 2021-03-23. Review status: criteria provided, single submitter. Criteria: ACMG Guidelines, 2015. Collection method: clinical testing. Allele origin: germline.

GeneDx
Classification: Likely benign. Last evaluated: 2016-02-16. Review status: criteria provided, single submitter. Criteria: GeneDx Variant Classification (06012015). Collection method: clinical testing. Allele origin: germline. Affected: yes.
Comment: This variant is considered likely benign or benign based on one or more of the following criteria: it is a conservative change, it occurs at a poorly conserved position in the protein, it is predicted to be benign by multiple in silico algorithms, and/or has population frequency not consistent with disease.

NM_000742.4(CHRNA2):c.294+20G>A

Gene: CHRNA2 (cholinergic receptor nicotinic alpha 2 subunit; minus strand). Cytogenetic location: 8p21.2.
Variant type: single nucleotide variant.
Coding change: c.294+20G>A on transcript NM_000742.4 (MANE Select); 20 bases into the intron after coding-DNA position 294, G replaced by A.
Molecular consequence: intron variant.
Genome position (GRCh38, 1-based): chr8:27,469,741, C>T on the plus strand (G>A on the coding strand, the complement: CHRNA2 is on the minus strand). VCF-style: chr8-27469741-C-T. GRCh37 (hg19) VCF-style: chr8-27327258-C-T.
Other names: c.-179+65G>A (NM_001347705.2); c.249+65G>A (NM_001282455.2); c.-168+20G>A (NM_001347708.2); c.-179+20G>A (NM_001347706.2); c.-165+65G>A (NM_001347707.2).
Identifiers: ClinVar variation 383691 (VCV000383691.4), dbSNP rs748420222, ClinGen allele CA4689731.